The following is an entry in ClinVar:

NM_005535.3(IL12RB1):c.1021+2dup

Gene: IL12RB1 (interleukin 12 receptor subunit beta 1; minus strand). Cytogenetic location: 19p13.11.
Variant type: Duplication.
Coding change: c.1021+2dup on transcript NM_005535.3 (MANE Select); the canonical splice donor site of the intron after coding-DNA position 1021, one base duplicated (T; older notation c.1021+2dupT).
Molecular consequence: splice donor variant.
Genome position (GRCh38, 1-based): chr19:18,072,110, A duplicated on the plus strand (T on the coding strand, the reverse complement: IL12RB1 is on the minus strand). VCF-style (leftmost placement, unchanged base first): chr19-18072109-C-CA. GRCh37 (hg19) VCF-style: chr19-18182919-C-CA.
Other names: c.1141+2dup (NM_001290024.2, NM_001440427.1); c.1021+2dup (NM_001290023.2, NM_153701.3); c.1042+2dup (NM_001440425.1, NM_001440424.1); c.1162+2dup (NM_001440426.1).
Identifiers: ClinVar variation 2637297 (VCV002637297.1), dbSNP rs2515143204, ClinGen allele CA2695198157.

ClinVar aggregate classification (germline): Uncertain significance (1 of 4 stars; one submission).

Conditions:
IL12RB1-related disorder. Also called: IL12RB1-related condition.

Submission:

PreventionGenetics, part of Exact Sciences
Classification: Uncertain significance for IL12RB1-related condition. Last evaluated: 2022-10-28. Review status: criteria provided, single submitter. Criteria: ACMG Guidelines, 2015. Collection method: clinical testing. Allele origin: germline.
Comment: The IL12RB1 c.1021+2dupT variant is predicted to result in an intronic duplication. To our knowledge, this variant has not been reported in the literature or in a large population database, indicating this variant is rare. This variant is interpreted as likely pathogenic.